The following is an entry in ClinVar:

NM_004946.3(DOCK2):c.5474C>T (p.Ser1825Leu)

Gene: DOCK2 (dedicator of cytokinesis 2; plus strand). Cytogenetic location: 5q35.1.
Variant type: single nucleotide variant.
Coding change: c.5474C>T on transcript NM_004946.3 (MANE Select); coding-DNA position 5474, C replaced by T.
Protein change: p.Ser1825Leu; replaces serine 1825 with leucine.
Molecular consequence: missense variant. On other transcripts: non-coding transcript variant (1).
Genome position (GRCh38, 1-based): chr5:170,082,839, C>T. VCF-style: chr5-170082839-C-T. GRCh37 (hg19) VCF-style: chr5-169509843-C-T.
Other names: c.5474C>T (NM_004946.2); short protein forms S1825L.
Identifiers: ClinVar variation 1499628 (VCV001499628.5), dbSNP rs774542703, ClinGen allele CA3554901.

ClinVar aggregate classification (germline): Uncertain significance. Review status: criteria provided, multiple submitters, no conflicts (2 of 4 stars). 2 submissions from 2 submitters: Uncertain significance (2). Last evaluated 2025-11-19.

Conditions:
DOCK2 deficiency. Also called: Immunodeficiency 40. Identifiers: Orphanet 447737, MedGen C4225328, MONDO:0014637, OMIM 616433.
Inborn genetic diseases. Identifiers: MedGen C0950123, MeSH D030342.

Allele frequency attached by ClinVar (database versions not stated): gnomAD 0.00007; TOPMed 0.00014.
gnomAD v4.1: 40 of 1,614,206 alleles (0.0025%); highest among the groups gnomAD compares: African/African-American, 0.019%; no homozygotes.

Submissions (2):

Ambry Genetics
Classification: Uncertain significance for Inborn genetic diseases. Last evaluated: 2025-11-19. Review status: criteria provided, single submitter. Criteria: Ambry Variant Classification Scheme 2023. Collection method: clinical testing. Allele origin: germline.

Labcorp Genetics (formerly Invitae), Labcorp
Classification: Uncertain significance for DOCK2 deficiency. Last evaluated: 2022-08-19. Review status: criteria provided, single submitter. Criteria: Invitae Variant Classification Sherloc (09022015). Collection method: clinical testing. Allele origin: germline.
Comment: In summary, the available evidence is currently insufficient to determine the role of this variant in disease. Therefore, it has been classified as a Variant of Uncertain Significance. Algorithms developed to predict the effect of missense changes on protein structure and function output the following: SIFT: "Tolerated"; PolyPhen-2: "Benign"; Align-GVGD: "Class C0". The leucine amino acid residue is found in multiple mammalian species, which suggests that this missense change does not adversely affect protein function. ClinVar contains an entry for this variant (Variation ID: 1499628). This variant has not been reported in the literature in individuals affected with DOCK2-related conditions. This variant is present in population databases (rs774542703, gnomAD 0.02%). This sequence change replaces serine, which is neutral and polar, with leucine, which is neutral and non-polar, at codon 1825 of the DOCK2 protein (p.Ser1825Leu).